The following is an entry in ClinVar:

NM_012123.4(MTO1):c.85A>T (p.Ser29Cys)

Gene: MTO1 (mitochondrial tRNA translation optimization 1; plus strand). Cytogenetic location: 6q13.
Variant type: single nucleotide variant.
Coding change: c.85A>T on transcript NM_012123.4 (MANE Select); coding-DNA position 85, A replaced by T.
Protein change: p.Ser29Cys; replaces serine 29 with cysteine.
Molecular consequence: missense variant.
Genome position (GRCh38, 1-based): chr6:73,461,939, A>T. VCF-style: chr6-73461939-A-T. GRCh37 (hg19) VCF-style: chr6-74171662-A-T.
Other names: c.85A>T, p.Ser29Cys (NM_001123226.2, NM_133645.3); short protein forms S29C.
Identifiers: ClinVar variation 1360315 (VCV001360315.8), dbSNP rs2150024386, ClinGen allele CA364711869.

ClinVar aggregate classification (germline): Uncertain significance (1 of 4 stars; one submission).

Conditions:
Mitochondrial hypertrophic cardiomyopathy with lactic acidosis due to MTO1 deficiency. Also called: CARDIOMYOPATHY, INFANTILE HYPERTROPHIC MITOCHONDRIAL, AND LACTIC ACIDOSIS; Combined oxidative phosphorylation deficiency 10. Identifiers: Orphanet 314637, MedGen C4749921, MONDO:0013865, OMIM 614702.

Submission:

Labcorp Genetics (formerly Invitae), Labcorp
Classification: Uncertain significance for Mitochondrial hypertrophic cardiomyopathy with lactic acidosis due to MTO1 deficiency. Last evaluated: 2021-06-11. Review status: criteria provided, single submitter. Criteria: Invitae Variant Classification Sherloc (09022015). Collection method: clinical testing. Allele origin: germline.
Comment: This sequence change replaces serine with cysteine at codon 29 of the MTO1 protein (p.Ser29Cys). The serine residue is weakly conserved and there is a moderate physicochemical difference between serine and cysteine. This variant is not present in population databases (ExAC no frequency). This variant has not been reported in the literature in individuals with MTO1-related conditions. Algorithms developed to predict the effect of missense changes on protein structure and function are either unavailable or do not agree on the potential impact of this missense change (SIFT: "Deleterious"; PolyPhen-2: "Benign"; Align-GVGD: "Class C0"). In summary, the available evidence is currently insufficient to determine the role of this variant in disease. Therefore, it has been classified as a Variant of Uncertain Significance.